The following is an entry in ClinVar:

ClinVar aggregate classification (germline): Pathogenic/Likely pathogenic. Review status: criteria provided, multiple submitters, no conflicts (2 of 4 stars). 2 submissions from 2 submitters: Pathogenic (1); Likely pathogenic (1). Last evaluated 2025-02-18.

Conditions:
Primary ciliary dyskinesia. Also called: Ciliary dyskinesia. Identifiers: Orphanet 244, MedGen C0008780, MONDO:0016575, HP:0012265.
Primary ciliary dyskinesia 7. Also called: CILIARY DYSKINESIA, PRIMARY, 7, WITH OR WITHOUT SITUS INVERSUS. Identifiers: Orphanet 244, MedGen C2678473, MONDO:0012748, OMIM 611884.

gnomAD v4.1: 1 of 1,610,238 alleles (0.000062%); highest among the groups gnomAD compares: Non-Finnish European, 0.000085%; no homozygotes.

Submissions (2):

Broad Center for Mendelian Genomics, Broad Institute of MIT and Harvard
Classification: Likely pathogenic for Primary ciliary dyskinesia 7. Last evaluated: 2025-02-18. Review status: criteria provided, single submitter. Criteria: ACMG Guidelines, 2015. Collection method: curation. Allele origin: germline. Inheritance: Autosomal recessive inheritance.
Comment: The p.Gln2638His variant in DNAH11 has been reported in 1 individual with primary ciliary dyskinesia (PMID: 22184204), and has been identified in 0.00008% (1/1177522) of European (non-Finnish) chromosomes by the Genome Aggregation Database (gnomAD; dbSNP ID: rs72657362). Although this variant has been seen in the general population in a heterozygous state, its frequency is low enough to be consistent with a recessive carrier frequency. This variant has also been reported in ClinVar (Variation ID: 2734976) and has been interpreted as pathogenic by Invitae. Computational prediction tools and conservation analyses suggest that this variant may impact the protein, though this information is not predictive enough to determine pathogenicity. RNAseq analysis performed on affected tissue shows this variant is predicted to lead to exon skipping of exon 48 (PMID: 22184204). This variant is located in the last three bases of the exon, which is part of the 3‚Äô splice region. Computational tools do suggest an impact to splicing. However, this information is not predictive enough to determine pathogenicity. Loss of function of the DNAH11 gene is an established disease mechanism in autosomal recessive primary ciliary dyskinesia. In summary, although additional studies are required to fully establish its clinical significance, this variant is likely pathogenic for autosomal recessive primary ciliary dyskinesia. ACMG/AMP Criteria applied: PVS1, PM2_supporting (Richards 2015).

Labcorp Genetics (formerly Invitae), Labcorp
Classification: Pathogenic for Primary ciliary dyskinesia. Last evaluated: 2023-03-01. Review status: criteria provided, single submitter. Criteria: Invitae Variant Classification Sherloc (09022015). Collection method: clinical testing. Allele origin: germline.
Comment: This sequence change replaces glutamine, which is neutral and polar, with histidine, which is basic and polar, at codon 2638 of the DNAH11 protein (p.Gln2638His). RNA analysis indicates that this missense change induces altered splicing and may result in an absent or disrupted protein product. This variant is not present in population databases (gnomAD no frequency). This missense change has been observed in individual(s) with primary ciliary dyskinesia (PMID: 22184204). In at least one individual the data is consistent with being in trans (on the opposite chromosome) from a pathogenic variant. It has also been observed to segregate with disease in related individuals. An algorithm developed to predict the effect of missense changes on protein structure and function (PolyPhen-2) suggests that this variant is likely to be disruptive. Variants that disrupt the consensus splice site are a relatively common cause of aberrant splicing (PMID: 17576681, 9536098). Studies have shown that this missense change results in skipping of exon 48 and introduces a premature termination codon (PMID: 22184204). The resulting mRNA is expected to undergo nonsense-mediated decay. For these reasons, this variant has been classified as Pathogenic.

Literature cited by the submitters: PubMed 22184204 (cited by Labcorp Genetics (formerly Invitae), Labcorp); PubMed 17576681 (cited by Labcorp Genetics (formerly Invitae), Labcorp); PubMed 9536098 (cited by Labcorp Genetics (formerly Invitae), Labcorp).

NM_001277115.2(DNAH11):c.7914G>C (p.Gln2638His)

Gene: DNAH11 (dynein axonemal heavy chain 11; plus strand). Cytogenetic location: 7p15.3.
Variant type: single nucleotide variant.
Coding change: c.7914G>C on transcript NM_001277115.2 (MANE Select); coding-DNA position 7914, G replaced by C.
Protein change: p.Gln2638His; replaces glutamine 2638 with histidine.
Molecular consequence: missense variant.
Genome position (GRCh38, 1-based): chr7:21,739,673, G>C. VCF-style: chr7-21739673-G-C. GRCh37 (hg19) VCF-style: chr7-21779291-G-C.
Other names: NM_001277115.2(DNAH11):c.7914G>C; p.Gln2638His; c.7935G>C, p.Gln2645His (NM_003777.3); short protein forms Q2638H, Q2645H.
Identifiers: ClinVar variation 2734976 (VCV002734976.4), dbSNP rs72657362, ClinGen allele CA155112065.